The following is an entry in ClinVar:

NM_022489.4(INF2):c.1+171A>G

Gene: INF2 (inverted formin 2; plus strand). Cytogenetic location: 14q32.33.
Variant type: single nucleotide variant.
Coding change: c.1+171A>G on transcript NM_022489.4 (MANE Select); 171 bases into the intron after coding-DNA position 1, A replaced by G.
Molecular consequence: intron variant.
Genome position (GRCh38, 1-based): chr14:104,715,511, A>G. VCF-style: chr14-104715511-A-G. GRCh37 (hg19) VCF-style: chr14-105181848-A-G.
Other names: c.3694+655A>G (NM_001031714.4).
Identifiers: ClinVar variation 681951 (VCV000681951.1), dbSNP rs4247030, ClinGen allele CA16499749.

ClinVar aggregate classification (germline): Benign (1 of 4 stars; one submission).

Allele frequency attached by ClinVar (database versions not stated): gnomAD 0.81604 and 0.81791; TOPMed 0.82950; 1000 Genomes Project 0.85623; 1000 Genomes Project 30x 0.85946.
gnomAD v4.1: 124,034 of 152,070 alleles (82%); highest among the groups gnomAD compares: East Asian, 93%; 51,023 homozygotes.

Submission:

GeneDx
Classification: Benign. Last evaluated: 2018-06-14. Review status: criteria provided, single submitter. Criteria: GeneDx Variant Classification (06012015). Collection method: clinical testing. Allele origin: germline. Affected: yes.
Comment: This variant is considered likely benign or benign based on one or more of the following criteria: it is a conservative change, it occurs at a poorly conserved position in the protein, it is predicted to be benign by multiple in silico algorithms, and/or has population frequency not consistent with disease.